The following is an entry in ClinVar:

ClinVar aggregate classification (germline): Benign. Review status: criteria provided, multiple submitters, no conflicts (2 of 4 stars). 11 submissions from 11 submitters: Benign (8). 3 of the submissions do not count toward it. Last evaluated 2026-02-04.

Conditions:
Bardet-Biedl syndrome 4 (BBS4). Identifiers: Orphanet 110, MedGen C2936864, MONDO:0014433, OMIM 615982.
Bardet-Biedl syndrome 1 (BBS1). Identifiers: MedGen C2936862, MONDO:0008854, OMIM 209900. Disease mechanism: loss of function.
Bardet-Biedl syndrome (BBS). Identifiers: Orphanet 110, MedGen C0752166, MONDO:0015229.

Allele frequency attached by ClinVar (database versions not stated): 1000 Genomes Project 30x 0.93535; ESP Exome Variant Server 0.93865; TOPMed 0.94094; 1000 Genomes Project 0.94209; gnomAD 0.94438 and 0.94815; ExAC 0.98308; gnomAD exomes 0.98641 and 0.99507.
gnomAD v4.1: 1,589,434 of 1,604,748 alleles (99%); highest among the groups gnomAD compares: East Asian, 100%; 788,343 homozygotes.

Submissions (11):

Labcorp Genetics (formerly Invitae), Labcorp
Classification: Benign for Bardet-Biedl syndrome. Last evaluated: 2026-02-04. Review status: criteria provided, single submitter. Criteria: Invitae Variant Classification Sherloc (09022015). Collection method: clinical testing. Allele origin: germline.

Women's Health and Genetics/Laboratory Corporation of America, LabCorp
Classification: Benign. Last evaluated: 2025-12-02. Review status: criteria provided, single submitter. Criteria: LabCorp Variant Classification Summary - May 2015. Collection method: clinical testing. Allele origin: germline.

Blueprint Genetics
Classification: Benign. Last evaluated: 2024-11-28. Review status: criteria provided, single submitter. Criteria: ACMG Guidelines, 2015. Collection method: clinical testing. Allele origin: germline.

Mayo Clinic Laboratories, Mayo Clinic
Classification: Benign. Last evaluated: 2022-03-09. Review status: criteria provided, single submitter. Criteria: ACMG Guidelines, 2015. Collection method: clinical testing. Allele origin: germline. Observed: 74 variant alleles.

Genome-Nilou Lab
Classification: Benign for Bardet-Biedl syndrome 4. Last evaluated: 2021-07-14. Review status: criteria provided, single submitter. Criteria: ACMG Guidelines, 2015. Collection method: clinical testing. Allele origin: germline. Affected: no.

Illumina Laboratory Services, Illumina
Classification: Benign for Bardet-Biedl syndrome 4. Last evaluated: 2018-01-13. Review status: criteria provided, single submitter. Criteria: ICSL Variant Classification Criteria 13 December 2019. Collection method: clinical testing. Allele origin: germline.
Comment: This variant was observed in the ICSL laboratory as part of a predisposition screen in an ostensibly healthy population. It had not been previously curated by ICSL or reported in the Human Gene Mutation Database (HGMD: prior to June 1st, 2018), and was therefore a candidate for classification through an automated scoring system. Utilizing variant allele frequency, disease prevalence and penetrance estimates, and inheritance mode, an automated score was calculated to assess if this variant is too frequent to cause the disease. Based on the score and internal cut-off values, a variant classified as benign is not then subjected to further curation. The score for this variant resulted in a classification of benign for this disease.

Breakthrough Genomics
Classification: Benign. Review status: criteria provided, single submitter. Criteria: ACMG Guidelines, 2015. Collection method: not provided. Allele origin: germline. Inheritance: Autosomal recessive inheritance. Affected: yes.

PreventionGenetics, part of Exact Sciences
Classification: Benign. Review status: criteria provided, single submitter. Criteria: ACMG Guidelines, 2015. Collection method: clinical testing. Allele origin: germline.

Natera, Inc.
Classification: Benign for Bardet-Biedl syndrome. Last evaluated: 2020-09-16. Review status: no assertion criteria provided. Collection method: clinical testing. Allele origin: germline. Not counted in ClinVar's aggregate classification.

Clinical Genetics DNA and cytogenetics Diagnostics Lab, Erasmus MC, Erasmus Medical Center
Classification: Benign. Review status: no assertion criteria provided. Collection method: clinical testing. Allele origin: germline. Affected: yes. Study: VKGL Data-share Consensus. Not counted in ClinVar's aggregate classification.

Diagnostic Laboratory, Department of Genetics, University Medical Center Groningen
Classification: Benign for Bardet-Biedl syndrome 1. Review status: no assertion criteria provided. Collection method: clinical testing. Allele origin: germline. Affected: yes. Study: VKGL Data-share Consensus. Not counted in ClinVar's aggregate classification.

NM_033028.5(BBS4):c.77-6G>A

Gene: BBS4 (Bardet-Biedl syndrome 4; plus strand). Cytogenetic location: 15q24.1.
Variant type: single nucleotide variant.
Coding change: c.77-6G>A on transcript NM_033028.5 (MANE Select); 6 bases into the intron before coding-DNA position 77, G replaced by A.
Molecular consequence: intron variant.
Genome position (GRCh38, 1-based): chr15:72,709,694, G>A. VCF-style: chr15-72709694-G-A. GRCh37 (hg19) VCF-style: chr15-73002035-G-A.
Other names: p.?; c.77-6G>A (NM_001320665.2); c.-445-6G>A (NM_001252678.2).
Identifiers: ClinVar variation 262143 (VCV000262143.25), dbSNP rs8033604, ClinGen allele CA7646495.
Genomic context (GRCh38, chr15:72,709,694, plus strand): 5'-GAGGACAGTGCTAAAGGAGAAAATCTAATGACTGTGTTGTTTGTTTTGTCAAAATATGCT[G>A]CCTAGCTCCAGAGTTTCCTATTTTGGAGAAGCAGAACTGGTTGATTCATCTTCATTATAT-3'